The following is an entry in ClinVar:

ClinVar aggregate classification (germline): Uncertain significance (1 of 4 stars; one submission).

Conditions:
Glycogen storage disease IXd (GSD9D). Also called: Muscle Phosphorylase Kinase Deficiency; GSD IXd. Identifiers: Orphanet 715, MedGen C1845151, MONDO:0010362, OMIM 300559.

gnomAD v4.1: 1 of 1,210,226 alleles (0.000083%); highest among the groups gnomAD compares: Non-Finnish European, 0.00011%; no homozygotes.

Submission:

Labcorp Genetics (formerly Invitae), Labcorp
Classification: Uncertain significance for Glycogen storage disease IXd. Last evaluated: 2025-09-05. Review status: criteria provided, single submitter. Criteria: Invitae Variant Classification Sherloc (09022015). Collection method: clinical testing. Allele origin: germline.
Comment: This sequence change replaces arginine, which is basic and polar, with glycine, which is neutral and non-polar, at codon 688 of the PHKA1 protein (p.Arg688Gly). This variant is not present in population databases (gnomAD no frequency). This variant has not been reported in the literature in individuals affected with PHKA1-related conditions. Invitae Evidence Modeling of protein sequence and biophysical properties (such as structural, functional, and spatial information, amino acid conservation, physicochemical variation, residue mobility, and thermodynamic stability) indicates that this missense variant is not expected to disrupt PHKA1 protein function with a negative predictive value of 80%. In summary, the available evidence is currently insufficient to determine the role of this variant in disease. Therefore, it has been classified as a Variant of Uncertain Significance.

NM_002637.4(PHKA1):c.2062C>G (p.Arg688Gly)

Gene: PHKA1 (phosphorylase kinase regulatory subunit alpha 1; minus strand). Cytogenetic location: Xq13.1.
Variant type: single nucleotide variant.
Coding change: c.2062C>G on transcript NM_002637.4 (MANE Select); coding-DNA position 2062, C replaced by G.
Protein change: p.Arg688Gly; replaces arginine 688 with glycine.
Molecular consequence: missense variant. On other transcripts: intron variant (2).
Genome position (GRCh38, 1-based): chrX:72,620,800, G>C on the plus strand (C>G on the coding strand, the complement: PHKA1 is on the minus strand). VCF-style: chrX-72620800-G-C. GRCh37 (hg19) VCF-style: chrX-71840650-G-C.
Other names: c.2062C>G, p.Arg688Gly (NM_001122670.2, NM_001431068.1, NM_001440787.1); c.1961-1495C>G (NM_001440788.1, NM_001172436.2); short protein forms R688G.
Identifiers: ClinVar variation 4771208 (VCV004771208.1).